The following is an entry in ClinVar:

NM_001376.5(DYNC1H1):c.6110G>A (p.Arg2037Gln)

Gene: DYNC1H1 (dynein cytoplasmic 1 heavy chain 1; plus strand). Cytogenetic location: 14q32.31.
Variant type: single nucleotide variant.
Coding change: c.6110G>A on transcript NM_001376.5 (MANE Select); coding-DNA position 6110, G replaced by A.
Protein change: p.Arg2037Gln; replaces arginine 2037 with glutamine.
Molecular consequence: missense variant.
Genome position (GRCh38, 1-based): chr14:102,009,975, G>A. VCF-style: chr14-102009975-G-A. GRCh37 (hg19) VCF-style: chr14-102476312-G-A.
Other names: short protein forms R2037Q.
Identifiers: ClinVar variation 4737171 (VCV004737171.1).

ClinVar aggregate classification (germline): Uncertain significance (1 of 4 stars; one submission).

Conditions:
Charcot-Marie-Tooth disease axonal type 2O. Also called: Charcot-Marie-Tooth disease, axonal, type 20; CHARCOT-MARIE-TOOTH NEUROPATHY, AXONAL, TYPE 2O; CHARCOT-MARIE-TOOTH DISEASE, AXONAL, AUTOSOMAL DOMINANT, TYPE 2O; Charcot-Marie-Tooth Neuropathy Type 2O. Identifiers: Orphanet 284232, MedGen C3280220, MONDO:0013644, OMIM 614228.

gnomAD v4.1: 1 of 1,614,012 alleles (0.000062%); highest among the groups gnomAD compares: Non-Finnish European, 0.000085%; no homozygotes.

Submission:

Labcorp Genetics (formerly Invitae), Labcorp
Classification: Uncertain significance for Charcot-Marie-Tooth disease axonal type 2O. Last evaluated: 2025-12-16. Review status: criteria provided, single submitter. Criteria: Invitae Variant Classification Sherloc (09022015). Collection method: clinical testing. Allele origin: germline.
Comment: This sequence change replaces arginine, which is basic and polar, with glutamine, which is neutral and polar, at codon 2037 of the DYNC1H1 protein (p.Arg2037Gln). This variant is not present in population databases (gnomAD no frequency). This variant has not been reported in the literature in individuals affected with DYNC1H1-related conditions. Invitae Evidence Modeling of protein sequence and biophysical properties (such as structural, functional, and spatial information, amino acid conservation, physicochemical variation, residue mobility, and thermodynamic stability) indicates that this missense variant is expected to disrupt DYNC1H1 protein function with a positive predictive value of 95%. In summary, the available evidence is currently insufficient to determine the role of this variant in disease. Therefore, it has been classified as a Variant of Uncertain Significance.